The following is an entry in ClinVar:

ClinVar aggregate classification (germline): Uncertain significance (1 of 4 stars; one submission).

Conditions:
Congenital hypothyroidism. Identifiers: Orphanet 442, MedGen C0010308, MONDO:0018612, HP:0000851.

gnomAD v4.1: 2 of 1,209,984 alleles (0.00017%); highest among the groups gnomAD compares: East Asian, 0.003%; no homozygotes.

Submission:

Cambridge Genomics Laboratory, East Genomic Laboratory Hub, NHS Genomic Medicine Service
Classification: Uncertain significance for Congenital hypothyroidism. Last evaluated: 2024-02-29. Review status: criteria provided, single submitter. Criteria: ACGS Best Practice Guidelines for Variant Classification in Rare Disease 2020. Collection method: clinical testing. Allele origin: germline. Affected: yes.
Comment: The p.Ala565Val variant is observed in 1/27.149 (0.0037%) alleles from individuals of gnomAD Latino background in gnomAD All. The p.Ala565Val variant is novel (not in any individuals) in 1kG All. The p.Ala565Val variant is novel (not in any individuals) in gnomAD Genomes v3 All. (PM2 - Moderate) | The p.Ala565Val missense variant is predicted to be damaging by both SIFT and PolyPhen2. The alanine residue at codon 565 of TBL1X is conserved in all mammalian species. The nucleotide c.1694 in TBL1X is predicted conserved by GERP++ and PhyloP across 100 vertebrates. (PP3 - Supporting) | The patient's phenotype or family history is highly specific for a disease with a single genetic etiology. (PP4 - Supporting)

NM_005647.4(TBL1X):c.1694C>T (p.Ala565Val)

Gene: TBL1X (transducin beta like 1 X-linked; plus strand). Cytogenetic location: Xp22.2.
Variant type: single nucleotide variant.
Coding change: c.1694C>T on transcript NM_005647.4 (MANE Select); coding-DNA position 1694, C replaced by T.
Protein change: p.Ala565Val; replaces alanine 565 with valine.
Molecular consequence: missense variant.
Genome position (GRCh38, 1-based): chrX:9,714,990, C>T. VCF-style: chrX-9714990-C-T. GRCh37 (hg19) VCF-style: chrX-9683030-C-T.
Other names: c.1694C>T, p.Ala565Val (NM_001139466.1); c.1541C>T, p.Ala514Val (NM_001139467.1, NM_001139468.1); short protein forms A514V, A565V.
Identifiers: ClinVar variation 4812823 (VCV004812823.1).